The following is an entry in ClinVar:

NM_006371.5(CRTAP):c.38C>A (p.Ala13Glu)

Genes: CRTAP (cartilage associated protein; plus strand), LOC129936436 (ATAC-STARR-seq lymphoblastoid silent region 14183; plus strand). Cytogenetic location: 3p22.3.
Variant type: single nucleotide variant.
Coding change: c.38C>A on transcript NM_006371.5 (MANE Select); coding-DNA position 38, C replaced by A.
Protein change: p.Ala13Glu; replaces alanine 13 with glutamic acid.
Molecular consequence: missense variant.
Genome position (GRCh38, 1-based): chr3:33,114,115, C>A. VCF-style: chr3-33114115-C-A. GRCh37 (hg19) VCF-style: chr3-33155607-C-A.
Other names: short protein forms A13E.
Identifiers: ClinVar variation 937198 (VCV000937198.4), dbSNP rs137853938, ClinGen allele CA72699037.
Genomic context (GRCh38, chr3:33,114,115, plus strand): 5'-CTTCCTTCCTTTCGCCGGGCGCGATGGAGCCGGGGCGCCGGGGGGCCGCGGCGCTGCTAG[C>A]GCTGCTGTGCGTGGCCTGCGCGCTGCGCGCCGGGCGCGCCCAATACGAACGCTACAGCTT-3'
Protein context (NP_006362.1, residues 3-23): PGRRGAAALL[Ala13Glu]LLCVACALRA

ClinVar aggregate classification (germline): Uncertain significance. Review status: criteria provided, multiple submitters, no conflicts (2 of 4 stars). 2 submissions from 2 submitters: Uncertain significance (2). Last evaluated 2024-04-11.

Conditions:
Osteogenesis imperfecta type 7 (OI7). Also called: OI type 7; OI type VII; OSTEOGENESIS IMPERFECTA, TYPE IIB; Osteogenesis imperfecta type 2B; OI type 2B; Osteogenesis imperfecta, perinatal lethal autosomal recessive. Identifiers: MedGen C1853162, MONDO:0012536, OMIM 610682.

Allele frequency attached by ClinVar (database versions not stated): gnomAD 0.00001; gnomAD exomes 0.00002.
gnomAD v4.1: 39 of 1,525,476 alleles (0.0026%); highest among the groups gnomAD compares: Non-Finnish European, 0.0033%; no homozygotes.

Submissions (2):

Women's Health and Genetics/Laboratory Corporation of America, LabCorp
Classification: Uncertain significance. Last evaluated: 2024-04-11. Review status: criteria provided, single submitter. Criteria: LabCorp Variant Classification Summary - May 2015. Collection method: clinical testing. Allele origin: germline.
Comment: Variant summary: CRTAP c.38C>A (p.Ala13Glu) results in a non-conservative amino acid change in the encoded protein sequence. Four of five in-silico tools predict a benign effect of the variant on protein function. The variant allele was found at a frequency of 1.5e-05 in 132858 control chromosomes. The available data on variant occurrences in the general population are insufficient to allow any conclusion about variant significance. c.38C>A has been reported in the literature in at least one compound heterozygous individual affected with Osteogenesis Imperfecta Type III who carried two additional variants found in trans and cis to the variant (e.g. VanDijk_2009). This report does not provide unequivocal conclusions about association of the variant with Osteogenesis Imperfecta. To our knowledge, no experimental evidence demonstrating an impact on protein function has been reported. The following publication has been ascertained in the context of this evaluation (PMID: 19550437). ClinVar contains an entry for this variant (Variation ID: 937198). Based on the evidence outlined above, the variant was classified as uncertain significance.

Labcorp Genetics (formerly Invitae), Labcorp
Classification: Uncertain significance for Osteogenesis imperfecta type 7. Last evaluated: 2022-03-13. Review status: criteria provided, single submitter. Criteria: Invitae Variant Classification Sherloc (09022015). Collection method: clinical testing. Allele origin: germline.
Comment: This sequence change replaces alanine, which is neutral and non-polar, with glutamic acid, which is acidic and polar, at codon 13 of the CRTAP protein (p.Ala13Glu). The frequency data for this variant in the population databases is considered unreliable, as metrics indicate poor data quality at this position in the gnomAD database. This missense change has been observed in individual(s) with osteogenesis imperfecta type III (PMID: 19550437). ClinVar contains an entry for this variant (Variation ID: 937198). Algorithms developed to predict the effect of missense changes on protein structure and function are either unavailable or do not agree on the potential impact of this missense change (SIFT: "Tolerated"; PolyPhen-2: "Not Available"; Align-GVGD: "Class C0"). In summary, the available evidence is currently insufficient to determine the role of this variant in disease. Therefore, it has been classified as a Variant of Uncertain Significance.

Literature cited by the submitters: PubMed 19550437 (cited by Women's Health and Genetics/Laboratory Corporation of America, LabCorp and Labcorp Genetics (formerly Invitae), Labcorp).